The following is an entry in ClinVar:

NM_022835.3(PLEKHG2):c.3914G>A (p.Arg1305Gln)

Gene: PLEKHG2 (pleckstrin homology and RhoGEF domain containing G2; plus strand). Cytogenetic location: 19q13.2.
Variant type: single nucleotide variant.
Coding change: c.3914G>A on transcript NM_022835.3 (MANE Select); coding-DNA position 3914, G replaced by A.
Protein change: p.Arg1305Gln; replaces arginine 1305 with glutamine.
Molecular consequence: missense variant. On other transcripts: intron variant (2).
Genome position (GRCh38, 1-based): chr19:39,425,047, G>A. VCF-style: chr19-39425047-G-A. GRCh37 (hg19) VCF-style: chr19-39915687-G-A.
Other names: c.3572+165G>A (NM_001351693.2); c.1678-191G>A (NM_001351694.2); c.3914G>A (NM_022835.2); short protein forms R1305Q.
Identifiers: ClinVar variation 1518596 (VCV001518596.7), dbSNP rs201065323, ClinGen allele CA9430088.

ClinVar aggregate classification (germline): Uncertain significance. Review status: criteria provided, multiple submitters, no conflicts (2 of 4 stars). 2 submissions from 2 submitters: Uncertain significance (2). Last evaluated 2025-08-07.

Allele frequency attached by ClinVar (database versions not stated): 1000 Genomes Project 30x 0.00031; gnomAD 0.00007; TOPMed 0.00008; gnomAD exomes 0.00010; ExAC 0.00014; 1000 Genomes Project 0.00020.
gnomAD v4.1: 159 of 1,598,104 alleles (0.0099%); highest among the groups gnomAD compares: Admixed American, 0.021%; no homozygotes.

Submissions (2):

Ambry Genetics
Classification: Uncertain significance. Last evaluated: 2025-08-07. Review status: criteria provided, single submitter. Criteria: Ambry Variant Classification Scheme 2023. Collection method: clinical testing. Allele origin: germline.

Labcorp Genetics (formerly Invitae), Labcorp
Classification: Uncertain significance. Last evaluated: 2022-06-03. Review status: criteria provided, single submitter. Criteria: Invitae Variant Classification Sherloc (09022015). Collection method: clinical testing. Allele origin: germline.
Comment: This sequence change replaces arginine, which is basic and polar, with glutamine, which is neutral and polar, at codon 1305 of the PLEKHG2 protein (p.Arg1305Gln). This variant is present in population databases (rs201065323, gnomAD 0.02%). This variant has not been reported in the literature in individuals affected with PLEKHG2-related conditions. ClinVar contains an entry for this variant (Variation ID: 1518596). Algorithms developed to predict the effect of missense changes on protein structure and function output the following: SIFT: "Tolerated"; PolyPhen-2: "Benign"; Align-GVGD: "Class C0". The glutamine amino acid residue is found in multiple mammalian species, which suggests that this missense change does not adversely affect protein function. In summary, the available evidence is currently insufficient to determine the role of this variant in disease. Therefore, it has been classified as a Variant of Uncertain Significance.